The following is an entry in ClinVar:

ClinVar aggregate classification (germline): Pathogenic (1 of 4 stars; one submission).

Conditions:
Tubulinopathy. Also called: Tubulinopathies. Identifiers: MedGen CN850169, MONDO:0100153.

Submission:

Institute of Human Genetics, FAU Erlangen, Friedrich-Alexander-Universität Erlangen-Nürnberg
Classification: Pathogenic for Tubulinopathies. Last evaluated: 2018-07-01. Review status: criteria provided, single submitter. Criteria: ACMG Guidelines, 2015. Collection method: literature only. Allele origin: de novo. Affected: yes. Observed: 1 variant allele.
Comment: The c.214C>T, p.(Pro72Ser) variant has been reported as a variant of de novo origin. This variant and associated phenotype was previously reported by Bahi-Buisson et al. Brain, 2014 PMID: 24860126. Agyria (HP:0031882); Cerebellar vermis hypoplasia (HP:0001320); Hypoplasia of the brainstem (HP:0002365); Cerebellar hypoplasia (HP:0001321); no Abnormal morphology of the hippocampus (HP:0025100); Gray matter heterotopia (HP:0002281); no Congenital microcephaly (-HP:0011451)

Literature cited by the submitters: PubMed 30744660; DOI 10.1101/427948.

NM_006009.4(TUBA1A):c.214C>T (p.Pro72Ser)

Gene: TUBA1A (tubulin alpha 1a; minus strand). Cytogenetic location: 12q13.12.
Variant type: single nucleotide variant.
Coding change: c.214C>T on transcript NM_006009.4 (MANE Select); coding-DNA position 214, C replaced by T.
Protein change: p.Pro72Ser; replaces proline 72 with serine.
Molecular consequence: missense variant.
Genome position (GRCh38, 1-based): chr12:49,186,623, G>A on the plus strand (C>T on the coding strand, the complement: TUBA1A is on the minus strand). VCF-style: chr12-49186623-G-A. GRCh37 (hg19) VCF-style: chr12-49580406-G-A.
Other names: c.214C>T, p.Pro72Ser (NM_001270399.2); c.109C>T, p.Pro37Ser (NM_001270400.2); short protein forms P72S, P37S.
Identifiers: ClinVar variation 625516 (VCV000625516.2), dbSNP rs1565627680, ClinGen allele CA384644689.